The following is an entry in ClinVar:

NM_052989.3(IFT122):c.3343G>T (p.Val1115Leu)

Gene: IFT122 (intraflagellar transport 122; plus strand). Cytogenetic location: 3q22.1.
Variant type: single nucleotide variant.
Coding change: c.3343G>T on transcript NM_052989.3 (MANE Select); coding-DNA position 3343, G replaced by T.
Protein change: p.Val1115Leu; replaces valine 1115 with leucine.
Molecular consequence: missense variant.
Genome position (GRCh38, 1-based): chr3:129,517,546, G>T. VCF-style: chr3-129517546-G-T. GRCh37 (hg19) VCF-style: chr3-129236389-G-T.
Other names: c.3496G>T (NM_052985.2); c.3322G>T, p.Val1108Leu (NM_001280541.2); c.2893G>T, p.Val965Leu (NM_001280545.2); c.2716G>T, p.Val906Leu (NM_001280546.2); c.3166G>T, p.Val1056Leu (NM_018262.4); c.3496G>T, p.Val1166Leu (NM_052985.4); c.3013G>T, p.Val1005Leu (NM_052990.3); short protein forms V1005L, V1056L, V1108L, V1115L, V1166L, V906L, V965L.
Identifiers: ClinVar variation 1702445 (VCV001702445.7), dbSNP rs557159295, ClinGen allele CA2606885.

ClinVar aggregate classification (germline): Uncertain significance. Review status: criteria provided, multiple submitters, no conflicts (2 of 4 stars). 3 submissions from 3 submitters: Uncertain significance (3). Last evaluated 2024-03-31.

Conditions:
Cranioectodermal dysplasia 1 (CED1). Also called: LEVIN SYNDROME I. Identifiers: Orphanet 1515, MedGen C0432235, MONDO:0021093, OMIM 218330.
Connective tissue disorder. Also called: Connective tissue disease. Identifiers: MedGen C0009782, MONDO:0003900.
Inborn genetic diseases. Identifiers: MedGen C0950123, MeSH D030342.

Allele frequency attached by ClinVar (database versions not stated): ExAC 0.00002; gnomAD 0.00003 and 0.00004; gnomAD exomes 0.00004; TOPMed 0.00005.
gnomAD v4.1: 20 of 1,613,940 alleles (0.0012%); highest among the groups gnomAD compares: Admixed American, 0.025%; no homozygotes.

Submissions (3):

Ambry Genetics
Classification: Uncertain significance for Inborn genetic diseases. Last evaluated: 2024-03-31. Review status: criteria provided, single submitter. Criteria: Ambry Variant Classification Scheme 2023. Collection method: clinical testing. Allele origin: germline.

Labcorp Genetics (formerly Invitae), Labcorp
Classification: Uncertain significance for Cranioectodermal dysplasia 1. Last evaluated: 2022-09-12. Review status: criteria provided, single submitter. Criteria: Invitae Variant Classification Sherloc (09022015). Collection method: clinical testing. Allele origin: germline.
Comment: This sequence change replaces valine, which is neutral and non-polar, with leucine, which is neutral and non-polar, at codon 1166 of the IFT122 protein (p.Val1166Leu). This variant is present in population databases (rs557159295, gnomAD 0.03%). This variant has not been reported in the literature in individuals affected with IFT122-related conditions. Advanced modeling of protein sequence and biophysical properties (such as structural, functional, and spatial information, amino acid conservation, physicochemical variation, residue mobility, and thermodynamic stability) performed at Invitae indicates that this missense variant is not expected to disrupt IFT122 protein function. Algorithms developed to predict the effect of sequence changes on RNA splicing suggest that this variant may disrupt the consensus splice site. In summary, the available evidence is currently insufficient to determine the role of this variant in disease. Therefore, it has been classified as a Variant of Uncertain Significance.

Genome Diagnostics Laboratory, The Hospital for Sick Children
Classification: Uncertain significance for Connective tissue disorder. Last evaluated: 2021-11-04. Review status: criteria provided, single submitter. Criteria: ACMG Guidelines, 2015. Collection method: clinical testing. Allele origin: germline.